The following is an entry in ClinVar:

NM_000051.4(ATM):c.7010_7065dup (p.Ile2356delinsValTer)

Genes: ATM (ATM serine/threonine kinase; plus strand), C11orf65 (chromosome 11 open reading frame 65; minus strand). Cytogenetic location: 11q22.3.
Variant type: Duplication.
Coding change: c.7010_7065dup on transcript NM_000051.4 (MANE Select); coding-DNA positions 7010 to 7065, 56 bases duplicated.
Protein change: p.Ile2356delinsValTer.
Molecular consequence: nonsense. On other transcripts: frameshift variant (2), intron variant (2).
Genome position (GRCh38, 1-based): chr11:108,327,679-108,327,734, 56 bases duplicated. GRCh37 (hg19): chr11:108,198,406-108,198,461.
Other names: c.7010_7065dup56 (NM_000051.3); c.7010_7065dup, p.Ile2356delinsValTer (NM_001351834.2); c.641-18663_641-18608dup (NM_001330368.2); c.*38+7486_*38+7541dup (NM_001351110.2); c.7010_7065dupGTCTGAGGGTTTGTGGCAACTGGTTAGCAGAAACGTGCTTAGAAAATCCTGCGGTC (NM_000051.3).
Identifiers: ClinVar variation 280787 (VCV000280787.11), dbSNP rs1555120985, ClinGen allele CA10603232.

ClinVar aggregate classification (germline): Pathogenic. Review status: criteria provided, multiple submitters, no conflicts (2 of 4 stars). 3 submissions from 3 submitters: Pathogenic (3). Last evaluated 2025-01-19.

Conditions:
Hereditary cancer-predisposing syndrome. Also called: Neoplastic Syndromes, Hereditary; Hereditary neoplastic syndrome; Tumor predisposition; Hereditary Cancer Syndrome. Identifiers: Orphanet 140162, MedGen C0027672, MeSH D009386, MONDO:0015356.
Ataxia-telangiectasia syndrome (AT). Also called: Ataxia telangiectasia (A-T); Cerebello-oculocutaneous telangiectasia; Immunodeficiency with ataxia telangiectasia; LOUIS-BAR SYNDROME; AT, COMPLEMENTATION GROUP C; ATAXIA-TELANGIECTASIA, FRESNO VARIANT. Identifiers: Orphanet 100, MedGen C0004135, MONDO:0008840, OMIM 208900.

Submissions (3):

Labcorp Genetics (formerly Invitae), Labcorp
Classification: Pathogenic for Ataxia-telangiectasia syndrome. Last evaluated: 2025-01-19. Review status: criteria provided, single submitter. Criteria: Invitae Variant Classification Sherloc (09022015). Collection method: clinical testing. Allele origin: germline.
Comment: This sequence change creates a premature translational stop signal (p.Ile2356Valfs*2) in the ATM gene. It is expected to result in an absent or disrupted protein product. Loss-of-function variants in ATM are known to be pathogenic (PMID: 23807571, 25614872). This variant is not present in population databases (gnomAD no frequency). This variant has not been reported in the literature in individuals affected with ATM-related conditions. ClinVar contains an entry for this variant (Variation ID: 280787). For these reasons, this variant has been classified as Pathogenic.

Ambry Genetics
Classification: Pathogenic for Hereditary cancer-predisposing syndrome. Last evaluated: 2022-06-16. Review status: criteria provided, single submitter. Criteria: Ambry Variant Classification Scheme 2023. Collection method: clinical testing. Allele origin: germline.
Comment: The c.7010_7065dup56 variant, located in coding exon 47 of the ATM gene, results from a duplication of GTCTGAGGGTTTGTGGCAACTGGTTAGCAGAAACGTGCTTAGAAAATCCTGCGGTC at nucleotide positions 7010 to 7065, causing a translational frameshift with a predicted alternate stop codon (p.I2356Vfs*2). This alteration is expected to result in loss of function by premature protein truncation or nonsense-mediated mRNA decay. As such, this alteration is interpreted as a disease-causing mutation.

GeneDx
Classification: Pathogenic. Last evaluated: 2018-05-01. Review status: criteria provided, single submitter. Criteria: GeneDx Variant Classification (06012015). Collection method: clinical testing. Allele origin: germline. Affected: yes.
Comment: This duplication of 56 nucleotides in ATM is denoted c.7010_7065dup56 at the cDNA level and p.Ile2356ValfsX2 (I2356VfsX2) at the protein level. The surrounding sequence is GAAT[dup56]ATCA. The duplication causes a frameshift which changes an Isoleucine to a Valine at codon 2356, and creates a premature stop codon at position 2 of the new reading frame. This variant is predicted to cause loss of normal protein function through either protein truncation or nonsense-mediated mRNA decay. ATM c.7010_7065dup56 was reported in two siblings with pancreatic cancer from a kindred with pancreatic, colon, breast, and other cancer diagnoses (Barnes 2017). Based on the currently available information, we consider this duplication to be pathogenic.

Literature cited by the submitters: PubMed 23807571 (cited by Labcorp Genetics (formerly Invitae), Labcorp); PubMed 25614872 (cited by Labcorp Genetics (formerly Invitae), Labcorp).